The following is an entry in ClinVar:

NM_001042492.3(NF1):c.3130T>A (p.Tyr1044Asn)

Gene: NF1 (neurofibromin 1; plus strand). Cytogenetic location: 17q11.2.
Variant type: single nucleotide variant.
Coding change: c.3130T>A on transcript NM_001042492.3 (MANE Select); coding-DNA position 3130, T replaced by A.
Protein change: p.Tyr1044Asn; replaces tyrosine 1044 with asparagine.
Molecular consequence: missense variant.
Genome position (GRCh38, 1-based): chr17:31,230,858, T>A. VCF-style: chr17-31230858-T-A. GRCh37 (hg19) VCF-style: chr17-29557876-T-A.
Other names: c.3130T>A, p.Tyr1044Asn (NM_000267.4); short protein forms Y1044N.
Identifiers: ClinVar variation 822960 (VCV000822960.4), dbSNP rs1597717533, ClinGen allele CA398987912.

ClinVar aggregate classification (germline): Uncertain significance (1 of 4 stars; one submission).

Conditions:
Cardiovascular phenotype. Identifiers: MedGen CN230736.
Hereditary cancer-predisposing syndrome. Also called: Tumor predisposition; Hereditary Cancer Syndrome; Neoplastic Syndromes, Hereditary; Hereditary neoplastic syndrome. Identifiers: Orphanet 140162, MedGen C0027672, MeSH D009386, MONDO:0015356.

Submission:

Ambry Genetics
Classification: Uncertain significance for Cardiovascular phenotype; Hereditary cancer-predisposing syndrome. Last evaluated: 2018-07-24. Review status: criteria provided, single submitter. Criteria: Ambry Variant Classification Scheme 2023. Collection method: clinical testing. Allele origin: germline.
Comment: The p.Y1044N variant (also known as c.3130T>A), located in coding exon 24 of the NF1 gene, results from a T to A substitution at nucleotide position 3130. The tyrosine at codon 1044 is replaced by asparagine, an amino acid with dissimilar properties. This amino acid position is highly conserved in available vertebrate species. In addition, the in silico prediction for this alteration is inconclusive. Since supporting evidence is limited at this time, the clinical significance of this alteration remains unclear.